The following is an entry in ClinVar:

ClinVar aggregate classification (germline): Conflicting classifications of pathogenicity. Review status: criteria provided, conflicting classifications (1 of 4 stars). 2 submissions from 2 submitters: Uncertain significance (1); Likely benign (1). Last evaluated 2024-07-20.

Conditions:
Hereditary nonpolyposis colorectal neoplasms. Identifiers: MedGen C0009405, MeSH D003123.
Lynch syndrome. Identifiers: Orphanet 144, MedGen C4552100, MONDO:0005835. Disease mechanism: loss of function.

Submissions (2):

All of Us Research Program, National Institutes of Health
Classification: Likely benign for Lynch syndrome. Last evaluated: 2024-07-20. Review status: criteria provided, single submitter. Criteria: ACMG Guidelines, 2015. Collection method: clinical testing. Allele origin: germline. Inheritance: Autosomal dominant inheritance. Observed: 1 variant allele, 1 heterozygote.
Comment: This study involves interpretation of variants in research participants for the purpose of population health screening. Participant phenotype was not available at the time of variant classification. Additional details can be found in publication PMID: 35346344, PMCID: PMC8962531

Labcorp Genetics (formerly Invitae), Labcorp
Classification: Uncertain significance for Hereditary nonpolyposis colorectal neoplasms. Last evaluated: 2022-04-05. Review status: criteria provided, single submitter. Criteria: Invitae Variant Classification Sherloc (09022015). Collection method: clinical testing. Allele origin: germline.
Comment: This variant has not been reported in the literature in individuals affected with PMS2-related conditions. This variant is not present in population databases (gnomAD no frequency). This sequence change affects codon 9 of the PMS2 mRNA. It is a 'silent' change, meaning that it does not change the encoded amino acid sequence of the PMS2 protein. Algorithms developed to predict the effect of sequence changes on RNA splicing suggest that this variant may disrupt the consensus splice site. In summary, the available evidence is currently insufficient to determine the role of this variant in disease. Therefore, it has been classified as a Variant of Uncertain Significance.

NM_000535.7(PMS2):c.27A>G (p.Thr9=)

Gene: PMS2 (PMS1 homolog 2, mismatch repair system component; minus strand). Cytogenetic location: 7p22.1.
Variant type: single nucleotide variant.
Coding change: c.27A>G on transcript NM_000535.7 (MANE Select); coding-DNA position 27, A replaced by G.
Protein change: p.Thr9=; no amino-acid change (threonine 9 retained).
Molecular consequence: synonymous variant. On other transcripts: 5 prime UTR variant (23), non-coding transcript variant (1), intron variant (7), splice acceptor variant (15).
Genome position (GRCh38, 1-based): chr7:6,006,028, T>C on the plus strand (A>G on the coding strand, the complement: PMS2 is on the minus strand). VCF-style: chr7-6006028-T-C. GRCh37 (hg19) VCF-style: chr7-6045659-T-C.
Other names: c.-379A>G (NM_001322005.2, NM_001406891.1, NM_001406893.1 and 1 more transcripts); c.27A>G, p.Thr9= (NM_001322006.2, NM_001322014.2, NM_001406868.1 and 10 more transcripts); c.-189A>G (NM_001322007.2, NM_001406876.1, NM_001406896.1 and 2 more transcripts); c.-858A>G (NM_001322011.2); c.213A>G, p.Thr71= (NM_001406866.1); c.-458A>G (NM_001406875.1, NM_001406877.1, NM_001406878.1 and 1 more transcripts); c.-405A>G (NM_001406880.1); c.-326A>G (NM_001406888.1, NM_001406892.1, NM_001406894.1 and 3 more transcripts); and 12 more.
Identifiers: ClinVar variation 2121743 (VCV002121743.5), dbSNP rs1060504842, ClinGen allele CA453650382.
Genomic context (GRCh38, chr7:6,006,028, plus strand): 5'-CCCAGAGCAAATCTGATGGACTGACTTCCGATCAATAGGTTTGATGGCCTTAGCAGGTTC[T>C]GTACTAGAGAAATCAGTTACAAGAAACAAATCAAGTATTCAGCTATATATTTTCATCCTG-3'
Protein context (NP_000526.2, residues 1-19): MERAESSS[Thr9=]EPAKAIKPID